The following is an entry in ClinVar:

ClinVar aggregate classification (germline): Uncertain significance (1 of 4 stars; one submission).

Conditions:
Gastrointestinal stromal tumor. Also called: Gastrointestinal stroma tumor; Gastrointestinal stromal tumor, somatic. Identifiers: Orphanet 44890, MedGen C0238198, MeSH D046152, MONDO:0011719, OMIM 606764, HP:0100723.

Submission:

Labcorp Genetics (formerly Invitae), Labcorp
Classification: Uncertain significance for Gastrointestinal stromal tumor. Last evaluated: 2022-09-18. Review status: criteria provided, single submitter. Criteria: Invitae Variant Classification Sherloc (09022015). Collection method: clinical testing. Allele origin: germline.
Comment: This variant has not been reported in the literature in individuals affected with KIT-related conditions. In summary, the available evidence is currently insufficient to determine the role of this variant in disease. Therefore, it has been classified as a Variant of Uncertain Significance. Algorithms developed to predict the effect of missense changes on protein structure and function (SIFT, PolyPhen-2, Align-GVGD) all suggest that this variant is likely to be tolerated. This variant is not present in population databases (gnomAD no frequency). This sequence change replaces alanine, which is neutral and non-polar, with threonine, which is neutral and polar, at codon 299 of the KIT protein (p.Ala299Thr).

NM_000222.3(KIT):c.895G>A (p.Ala299Thr)

Gene: KIT (KIT proto-oncogene, receptor tyrosine kinase; plus strand). Cytogenetic location: 4q12.
Variant type: single nucleotide variant.
Coding change: c.895G>A on transcript NM_000222.3 (MANE Select); coding-DNA position 895, G replaced by A.
Protein change: p.Ala299Thr; replaces alanine 299 with threonine.
Molecular consequence: missense variant.
Genome position (GRCh38, 1-based): chr4:54,703,862, G>A. VCF-style: chr4-54703862-G-A. GRCh37 (hg19) VCF-style: chr4-55570028-G-A.
Other names: c.895G>A, p.Ala299Thr (NM_001093772.2, NM_001385285.1, NM_001385286.1); c.898G>A, p.Ala300Thr (NM_001385284.1, NM_001385288.1, NM_001385290.1 and 1 more transcripts); short protein forms A299T, A300T.
Identifiers: ClinVar variation 2012753 (VCV002012753.4), dbSNP rs2109693667, ClinGen allele CA356900095.
Genomic context (GRCh38, chr4:54,703,862, plus strand): 5'-TCAGCGAGAGTTAATGATTCTGGAGTGTTCATGTGTTATGCCAATAATACTTTTGGATCA[G>A]CAAATGTCACAACAACCTTGGAAGTAGTAGGTAAATACCTCTATGGGAATGTTTAAATTA-3'
Protein context (NP_000213.1, residues 289-309): MCYANNTFGS[Ala299Thr]NVTTTLEVVD